The following is an entry in ClinVar:

NM_001035.3(RYR2):c.5880G>A (p.Arg1960=)

Gene: RYR2 (ryanodine receptor 2; plus strand). Cytogenetic location: 1q43.
Variant type: single nucleotide variant.
Coding change: c.5880G>A on transcript NM_001035.3 (MANE Select); coding-DNA position 5880, G replaced by A.
Protein change: p.Arg1960=; no amino-acid change (arginine 1960 retained).
Molecular consequence: synonymous variant.
Genome position (GRCh38, 1-based): chr1:237,617,450, G>A. VCF-style: chr1-237617450-G-A. GRCh37 (hg19) VCF-style: chr1-237780750-G-A.
Identifiers: ClinVar variation 2731587 (VCV002731587.5), dbSNP rs2148614477, ClinGen allele CA423821285.

ClinVar aggregate classification (germline): Likely benign. Review status: criteria provided, multiple submitters, no conflicts (2 of 4 stars). 3 submissions from 3 submitters: Likely benign (3). Last evaluated 2024-07-20.

Conditions:
Cardiomyopathy (CMYO). Also called: Cardiomyopathies. Identifiers: Orphanet 167848, MedGen C0878544, MONDO:0004994, HP:0001638. Inheritance: Various modes of inheritance.
Catecholaminergic polymorphic ventricular tachycardia 1. Also called: RYR2-Related Catecholaminergic Polymorphic Ventricular Tachycardia; VENTRICULAR TACHYCARDIA, CATECHOLAMINERGIC POLYMORPHIC, 1, WITH OR WITHOUT ATRIAL DYSFUNCTION AND/OR DILATED CARDIOMYOPATHY; VENTRICULAR TACHYCARDIA, STRESS-INDUCED POLYMORPHIC 1. Identifiers: Orphanet 3286, MedGen C1631597, MONDO:0011484, OMIM 604772.
Catecholaminergic polymorphic ventricular tachycardia (CVPT). Also called: Catecholamine-induced polymorphic ventricular tachycardia. Identifiers: Orphanet 3286, MedGen C5574922, MONDO:0017990.

Allele frequency attached by ClinVar (database versions not stated): gnomAD exomes below 0.00001.
gnomAD v4.1: 2 of 1,613,894 alleles (0.00012%); highest among the groups gnomAD compares: Non-Finnish European, 0.00017%; no homozygotes.

Submissions (3):

All of Us Research Program, National Institutes of Health
Classification: Likely benign for Catecholaminergic polymorphic ventricular tachycardia. Last evaluated: 2024-07-20. Review status: criteria provided, single submitter. Criteria: ACMG Guidelines, 2015. Collection method: clinical testing. Allele origin: germline. Inheritance: Autosomal dominant inheritance. Observed: 1 variant allele, 1 heterozygote.
Comment: This study involves interpretation of variants in research participants for the purpose of population health screening. Participant phenotype was not available at the time of variant classification. Additional details can be found in publication PMID: 35346344, PMCID: PMC8962531

Color Diagnostics, LLC DBA Color Health
Classification: Likely benign for Cardiomyopathy. Last evaluated: 2024-07-10. Review status: criteria provided, single submitter. Criteria: ACMG Guidelines, 2015. Collection method: clinical testing. Allele origin: germline.

Labcorp Genetics (formerly Invitae), Labcorp
Classification: Likely benign for Catecholaminergic polymorphic ventricular tachycardia 1. Last evaluated: 2023-03-20. Review status: criteria provided, single submitter. Criteria: Invitae Variant Classification Sherloc (09022015). Collection method: clinical testing. Allele origin: germline.